The following is an entry in ClinVar:

NM_001393504.1(MAST3):c.2205+9G>A

Gene: MAST3 (microtubule associated serine/threonine kinase 3; plus strand). Cytogenetic location: 19p13.11.
Variant type: single nucleotide variant.
Coding change: c.2205+9G>A on transcript NM_001393504.1 (MANE Select); 9 bases into the intron after coding-DNA position 2205, G replaced by A.
Molecular consequence: intron variant.
Genome position (GRCh38, 1-based): chr19:18,139,133, G>A. VCF-style: chr19-18139133-G-A. GRCh37 (hg19) VCF-style: chr19-18249943-G-A.
Other names: c.2229+9G>A (NM_001393501.1); c.2208+9G>A (NM_001393502.1); c.2139+9G>A (NM_001393508.1, NM_001393516.1); c.2118+9G>A (NM_001393514.1, NM_015016.2); c.2136+9G>A (NM_001393509.1, NM_001393512.1, NM_001393518.1 and 2 more transcripts); c.2115+9G>A (NM_001393515.1, NM_001393520.1); c.2205+9G>A (NM_001393503.1); c.2184+9G>A (NM_001393507.1); and 4 more.
Identifiers: ClinVar variation 4979917 (VCV004979917.1).

ClinVar aggregate classification (germline): Likely benign (1 of 4 stars; one submission).

Conditions:
MAST3-related disorder.

gnomAD v4.1: 18 of 1,563,094 alleles (0.0012%); highest among the groups gnomAD compares: South Asian, 0.0023%; no homozygotes.

Submission:

PreventionGenetics, part of Exact Sciences
Classification: Likely benign for MAST3-related condition. Last evaluated: 2024-12-05. Review status: criteria provided, single submitter. Criteria: ACMG Guidelines, 2015. Collection method: clinical testing. Allele origin: germline.
Comment: This variant is classified as likely benign based on ACMG/AMP sequence variant interpretation guidelines (Richards et al. 2015 PMID: 25741868, with internal and published modifications).